The following is an entry in ClinVar:

ClinVar aggregate classification (germline): Likely benign (1 of 4 stars; one submission).

Submission:

CeGaT Center for Human Genetics Tuebingen
Classification: Likely benign. Last evaluated: 2025-12-01. Review status: criteria provided, single submitter. Criteria: CeGaT Center For Human Genetics Tuebingen Variant Classification Criteria Version 2. Collection method: clinical testing. Allele origin: germline. Affected: yes. Observed: 2 variant alleles.
Comment: CDKL5: PM2, BS2

NM_003159.3(CDKL5):c.2748_2760del (p.His916fs)

Genes: CDKL5 (cyclin dependent kinase like 5; plus strand), RS1 (retinoschisin 1; minus strand). Cytogenetic location: Xp22.13.
Variant type: Deletion.
Coding change: c.2748_2760del on transcript NM_003159.3; coding-DNA positions 2748 to 2760, 13 bases deleted (TTCTGGACCCCAA).
Protein change: p.His916fs; shifts the reading frame from histidine 916.
Molecular consequence: frameshift variant. On other transcripts: intron variant (1).
Genome position (GRCh38, 1-based): chrX:18,646,041-18,646,053, TTCTGGACCCCAA deleted; deleting any 13 consecutive bases within chrX:18,646,040-18,646,053 gives the same sequence; the c. name uses the placement nearest the transcript's 3' end. VCF-style (leftmost placement, unchanged base first): chrX-18646039-CATTCTGGACCCCA-C. GRCh37 (hg19) VCF-style: chrX-18664159-CATTCTGGACCCCA-C.
Other names: c.2748_2760del, p.His916fs (NM_001037343.2); c.326+1139_326+1151del (NM_000330.4); short protein forms H916fs.
Identifiers: ClinVar variation 3390144 (VCV003390144.14).